The following is an entry in ClinVar:

NM_024795.4(TM4SF20):c.80C>T (p.Ala27Val)

Gene: TM4SF20 (transmembrane 4 L six family member 20; minus strand). Cytogenetic location: 2q36.3.
Variant type: single nucleotide variant.
Coding change: c.80C>T on transcript NM_024795.4 (MANE Select); coding-DNA position 80, C replaced by T.
Protein change: p.Ala27Val; replaces alanine 27 with valine.
Molecular consequence: missense variant.
Genome position (GRCh38, 1-based): chr2:227,379,189, G>A on the plus strand (C>T on the coding strand, the complement: TM4SF20 is on the minus strand). VCF-style: chr2-227379189-G-A. GRCh37 (hg19) VCF-style: chr2-228243905-G-A.
Other names: short protein forms A27V.
Identifiers: ClinVar variation 1166272 (VCV001166272.13), dbSNP rs7574414, ClinGen allele CA2148327.

ClinVar aggregate classification (germline): Benign. Review status: criteria provided, multiple submitters, no conflicts (2 of 4 stars). 3 submissions from 3 submitters: Benign (2). 1 of the submissions does not count toward it. Last evaluated 2026-02-03.

Conditions:
TM4SF20-related disorder. Also called: TM4SF20-related condition.

Allele frequency attached by ClinVar (database versions not stated): ESP Exome Variant Server 0.10180; gnomAD 0.10438 and 0.10544; 1000 Genomes Project 0.10583; ExAC 0.12211; TOPMed 0.09984; 1000 Genomes Project 30x 0.10025.
gnomAD v4.1: 205,555 of 1,613,730 alleles (13%); highest among the groups gnomAD compares: East Asian, 18%; 13,573 homozygotes.

Submissions (9):

Labcorp Genetics (formerly Invitae), Labcorp
Classification: Benign. Last evaluated: 2026-02-03. Review status: criteria provided, single submitter. Criteria: Invitae Variant Classification Sherloc (09022015). Collection method: clinical testing. Allele origin: germline.

Breakthrough Genomics
Classification: Benign. Review status: criteria provided, single submitter. Criteria: ACMG Guidelines, 2015. Collection method: not provided. Allele origin: germline. Inheritance: Autosomal dominant inheritance. Affected: yes.

PreventionGenetics, part of Exact Sciences
Classification: Benign for TM4SF20-related condition. Last evaluated: 2019-10-22. Review status: no assertion criteria provided. Collection method: clinical testing. Allele origin: germline. Not counted in ClinVar's aggregate classification.
Comment: This variant is classified as benign based on ACMG/AMP sequence variant interpretation guidelines (Richards et al. 2015 PMID: 25741868, with internal and published modifications).

Dr. Peter K. Rogan Lab, Western University
No classification provided (evidence only). Condition: Squamous cell carcinoma of the head and neck. Review status: no classification provided. Collection method: in vitro. Allele origin: not applicable. Functional consequence: retained intron. Not counted in ClinVar's aggregate classification.

Dr. Peter K. Rogan Lab, Western University
No classification provided (evidence only). Condition: Colorectal cancer. Review status: no classification provided. Collection method: in vitro. Allele origin: not applicable. Functional consequence: retained intron. Not counted in ClinVar's aggregate classification.

Dr. Peter K. Rogan Lab, Western University
No classification provided (evidence only). Condition: Colorectal cancer. Review status: no classification provided. Collection method: in vitro. Allele origin: not applicable. Functional consequence: retained intron. Not counted in ClinVar's aggregate classification.

Dr. Peter K. Rogan Lab, Western University
No classification provided (evidence only). Condition: Colorectal cancer. Review status: no classification provided. Collection method: in vitro. Allele origin: not applicable. Functional consequence: retained intron. Not counted in ClinVar's aggregate classification.

Dr. Peter K. Rogan Lab, Western University
No classification provided (evidence only). Condition: Colorectal cancer. Review status: no classification provided. Collection method: in vitro. Allele origin: not applicable. Functional consequence: retained intron. Not counted in ClinVar's aggregate classification.

Dr. Peter K. Rogan Lab, Western University
No classification provided (evidence only). Condition: Cholangiocarcinoma. Review status: no classification provided. Collection method: in vitro. Allele origin: not applicable. Functional consequence: retained intron. Not counted in ClinVar's aggregate classification.